The following is an entry in ClinVar:

NM_003873.7(NRP1):c.2495G>C (p.Gly832Ala)

Gene: NRP1 (neuropilin 1; minus strand). Cytogenetic location: 10p11.22.
Variant type: single nucleotide variant.
Coding change: c.2495G>C on transcript NM_003873.7 (MANE Select); coding-DNA position 2495, G replaced by C.
Protein change: p.Gly832Ala; replaces glycine 832 with alanine.
Molecular consequence: missense variant. On other transcripts: non-coding transcript variant (1).
Genome position (GRCh38, 1-based): chr10:33,180,353, C>G on the plus strand (G>C on the coding strand, the complement: NRP1 is on the minus strand). VCF-style: chr10-33180353-C-G. GRCh37 (hg19) VCF-style: chr10-33469281-C-G.
Other names: c.2477G>C, p.Gly826Ala (NM_001244972.2); c.2474G>C, p.Gly825Ala (NM_001244973.2); c.2444G>C, p.Gly815Ala (NM_001330068.2); short protein forms G815A, G825A, G826A, G832A.
Identifiers: ClinVar variation 3355942 (VCV003355942.1).
Genomic context (GRCh38, chr10:33,180,353, plus strand): 5'-TTCAACACATTGCCTGGCTTCCTGGAGATGTTCTTGTCACCTTCTCCTTCACCTTCGTAT[C>G]CTGGCGTGCTCCCTATGGAAAAAAACAATATTGTCTCCGTGAGCACCGCCAACAGACCAG-3'
Protein context (NP_003864.5, residues 822-842): IKIDETGSTP[Gly832Ala]YEGEGEGDKN

ClinVar aggregate classification (germline): Uncertain significance (0 of 4 stars; one submission).

Conditions:
NRP1-related disorder. Also called: NRP1-related condition.

gnomAD v4.1: 1 of 1,598,956 alleles (0.000063%); highest among the groups gnomAD compares: Non-Finnish European, 0.000086%; no homozygotes.

Submission:

PreventionGenetics, part of Exact Sciences
Classification: Uncertain significance for NRP1-related condition. Last evaluated: 2023-11-29. Review status: no assertion criteria provided. Collection method: clinical testing. Allele origin: germline.
Comment: The NRP1 c.2495G>C variant is predicted to result in the amino acid substitution p.Gly832Ala. To our knowledge, this variant has not been reported in the literature or in a large population database, indicating this variant is rare. At this time, the clinical significance of this variant is uncertain due to the absence of conclusive functional and genetic evidence.